The following is an entry in ClinVar:

NM_024529.5(CDC73):c.818C>T (p.Ala273Val)

Gene: CDC73 (cell division cycle 73; plus strand). Cytogenetic location: 1q31.2.
Variant type: single nucleotide variant.
Coding change: c.818C>T on transcript NM_024529.5 (MANE Select); coding-DNA position 818, C replaced by T.
Protein change: p.Ala273Val; replaces alanine 273 with valine.
Molecular consequence: missense variant.
Genome position (GRCh38, 1-based): chr1:193,147,955, C>T. VCF-style: chr1-193147955-C-T. GRCh37 (hg19) VCF-style: chr1-193117085-C-T.
Other names: short protein forms A273V.
Identifiers: ClinVar variation 1489857 (VCV001489857.9), dbSNP rs2103130620, ClinGen allele CA343964231.

ClinVar aggregate classification (germline): Uncertain significance. Review status: criteria provided, multiple submitters, no conflicts (2 of 4 stars). 2 submissions from 2 submitters: Uncertain significance (2). Last evaluated 2024-04-07.

Conditions:
Parathyroid carcinoma (PRTC). Also called: Parathyroid gland carcinoma; CDC73-Related Parathyroid Carcinoma. Identifiers: Orphanet 143, MedGen C0687150, MONDO:0012004, OMIM 608266, HP:0006780.
Hyperparathyroidism 1 (HRPT1). Also called: HYPERPARATHYROIDISM, FAMILIAL ISOLATED PRIMARY. Identifiers: Orphanet 99879, MedGen C1840402, MONDO:0007767, OMIM 145000.

Submissions (2):

Labcorp Genetics (formerly Invitae), Labcorp
Classification: Uncertain significance for Parathyroid carcinoma. Last evaluated: 2024-04-07. Review status: criteria provided, single submitter. Criteria: Invitae Variant Classification Sherloc (09022015). Collection method: clinical testing. Allele origin: germline.
Comment: This sequence change replaces alanine, which is neutral and non-polar, with valine, which is neutral and non-polar, at codon 273 of the CDC73 protein (p.Ala273Val). This variant is not present in population databases (gnomAD no frequency). This variant has not been reported in the literature in individuals affected with CDC73-related conditions. ClinVar contains an entry for this variant (Variation ID: 1489857). Advanced modeling of protein sequence and biophysical properties (such as structural, functional, and spatial information, amino acid conservation, physicochemical variation, residue mobility, and thermodynamic stability) performed at Invitae indicates that this missense variant is not expected to disrupt CDC73 protein function with a negative predictive value of 80%. In summary, the available evidence is currently insufficient to determine the role of this variant in disease. Therefore, it has been classified as a Variant of Uncertain Significance.

Baylor Genetics
Classification: Uncertain significance for Hyperparathyroidism 1. Last evaluated: 2024-02-11. Review status: criteria provided, single submitter. Criteria: ACMG Guidelines, 2015. Collection method: clinical testing. Allele origin: unknown.